The following is an entry in ClinVar:

NM_005359.6(SMAD4):c.566G>T (p.Arg189Leu)

Gene: SMAD4 (SMAD family member 4; plus strand). Cytogenetic location: 18q21.2.
Variant type: single nucleotide variant.
Coding change: c.566G>T on transcript NM_005359.6 (MANE Select); coding-DNA position 566, G replaced by T.
Protein change: p.Arg189Leu; replaces arginine 189 with leucine.
Molecular consequence: missense variant.
Genome position (GRCh38, 1-based): chr18:51,054,892, G>T. VCF-style: chr18-51054892-G-T. GRCh37 (hg19) VCF-style: chr18-48581262-G-T.
Other names: short protein forms R189L.
Identifiers: ClinVar variation 484813 (VCV000484813.10), dbSNP rs759288477, ClinGen allele CA402460995.

ClinVar aggregate classification (germline): Uncertain significance. Review status: criteria provided, multiple submitters, no conflicts (2 of 4 stars). 3 submissions from 3 submitters: Uncertain significance (3). Last evaluated 2024-02-01.

Conditions:
Familial thoracic aortic aneurysm and aortic dissection (TAAD). Also called: Thoracic aortic aneurysms and dissections. Identifiers: Orphanet 91387, MedGen C4707243, MONDO:0019625.
Hereditary cancer-predisposing syndrome. Also called: Hereditary neoplastic syndrome; Neoplastic Syndromes, Hereditary; Tumor predisposition; Hereditary Cancer Syndrome. Identifiers: Orphanet 140162, MedGen C0027672, MeSH D009386, MONDO:0015356.
Juvenile polyposis syndrome (JPS). Identifiers: Orphanet 2929, MedGen C0345893, MONDO:0017380, OMIM 174900.

gnomAD v4.1: 1 of 1,614,008 alleles (0.000062%); highest among the groups gnomAD compares: Non-Finnish European, 0.000085%; no homozygotes.

Submissions (3):

Labcorp Genetics (formerly Invitae), Labcorp
Classification: Uncertain significance for Juvenile polyposis syndrome. Last evaluated: 2024-02-01. Review status: criteria provided, single submitter. Criteria: Invitae Variant Classification Sherloc (09022015). Collection method: clinical testing. Allele origin: germline.
Comment: This sequence change replaces arginine, which is basic and polar, with leucine, which is neutral and non-polar, at codon 189 of the SMAD4 protein (p.Arg189Leu). This variant is not present in population databases (gnomAD no frequency). This variant has not been reported in the literature in individuals affected with SMAD4-related conditions. ClinVar contains an entry for this variant (Variation ID: 484813). Advanced modeling of protein sequence and biophysical properties (such as structural, functional, and spatial information, amino acid conservation, physicochemical variation, residue mobility, and thermodynamic stability) performed at Invitae indicates that this missense variant is not expected to disrupt SMAD4 protein function with a negative predictive value of 95%. In summary, the available evidence is currently insufficient to determine the role of this variant in disease. Therefore, it has been classified as a Variant of Uncertain Significance.

Ambry Genetics
Classification: Uncertain significance for Hereditary cancer-predisposing syndrome; Familial thoracic aortic aneurysm and aortic dissection. Last evaluated: 2020-10-05. Review status: criteria provided, single submitter. Criteria: Ambry Variant Classification Scheme 2023. Collection method: clinical testing. Allele origin: germline.
Comment: The p.R189L variant (also known as c.566G>T), located in coding exon 4 of the SMAD4 gene, results from a G to T substitution at nucleotide position 566. The arginine at codon 189 is replaced by leucine, an amino acid with dissimilar properties. This amino acid position is well conserved in available vertebrate species. In addition, the in silico prediction for this alteration is inconclusive. Since supporting evidence is limited at this time, the clinical significance of this alteration remains unclear.

Color Diagnostics, LLC DBA Color Health
Classification: Uncertain significance for Hereditary cancer-predisposing syndrome. Last evaluated: 2019-01-18. Review status: criteria provided, single submitter. Criteria: ACMG Guidelines, 2015. Collection method: clinical testing. Allele origin: germline.